The following is an entry in ClinVar:

NM_004415.4(DSP):c.1045-3C>T

Gene: DSP (desmoplakin; plus strand). Cytogenetic location: 6p24.3.
Variant type: single nucleotide variant.
Coding change: c.1045-3C>T on transcript NM_004415.4 (MANE Select); 3 bases into the intron before coding-DNA position 1045, C replaced by T.
Molecular consequence: intron variant.
Genome position (GRCh38, 1-based): chr6:7,567,351, C>T. VCF-style: chr6-7567351-C-T. GRCh37 (hg19) VCF-style: chr6-7567584-C-T.
Other names: c.1045-3C>T (NM_001319034.2, NM_001008844.3).
Identifiers: ClinVar variation 927776 (VCV000927776.20), dbSNP rs765077011, ClinGen allele CA026861.

ClinVar aggregate classification (germline): Conflicting classifications of pathogenicity. Review status: criteria provided, conflicting classifications (1 of 4 stars). 5 submissions from 5 submitters: Uncertain significance (3); Likely benign (2). Last evaluated 2026-06-22.

Conditions:
Arrhythmogenic cardiomyopathy with wooly hair and keratoderma. Also called: PALMOPLANTAR KERATODERMA WITH LEFT VENTRICULAR CARDIOMYOPATHY AND WOOLLY HAIR; Dilated cardiomyopathy with woolly hair and keratoderma; Arrhythmogenic cardiomyopathy with woolly hair and keratoderma; Carvajal syndrome. Identifiers: Orphanet 65282, MedGen C1854063, MONDO:0011581, OMIM 605676.
Arrhythmogenic right ventricular dysplasia 8 (ARVD8). Also called: Arrhythmogenic Right Ventricular Dysplasia/Cardiomyopathy 8; ARRHYTHMOGENIC RIGHT VENTRICULAR DYSPLASIA, FAMILIAL, 8; ARRHYTHMOGENIC RIGHT VENTRICULAR CARDIOMYOPATHY 8. Identifiers: MedGen C1843896, MONDO:0011831, OMIM 607450.
Cardiomyopathy (CMYO). Also called: Cardiomyopathies. Identifiers: Orphanet 167848, MedGen C0878544, MONDO:0004994, HP:0001638. Inheritance: Various modes of inheritance.
Cardiovascular phenotype. Identifiers: MedGen CN230736.

Allele frequency attached by ClinVar (database versions not stated): ExAC 0.00002; TOPMed 0.00002; gnomAD exomes 0.00001.
gnomAD v4.1: 4 of 1,613,448 alleles (0.00025%); highest among the groups gnomAD compares: Non-Finnish European, 0.00034%; no homozygotes.

Submissions (5):

Ambry Genetics
Classification: Uncertain significance for Cardiovascular phenotype. Last evaluated: 2026-06-22. Review status: criteria provided, single submitter. Criteria: Ambry Variant Classification Scheme 2023. Collection method: clinical testing. Allele origin: germline.
Comment: The c.1045-3C>T intronic variant results from a C to T substitution 3 nucleotides upstream from coding exon 9 in the DSP gene. This nucleotide position is well conserved in available vertebrate species. In silico splice site analysis predicts that this alteration will not have any significant effect on splicing. Based on the available evidence, the clinical significance of this variant remains unclear.

Color Diagnostics, LLC DBA Color Health
Classification: Likely benign for Cardiomyopathy. Last evaluated: 2025-06-12. Review status: criteria provided, single submitter. Criteria: ACMG Guidelines, 2015. Collection method: clinical testing. Allele origin: germline.

Labcorp Genetics (formerly Invitae), Labcorp
Classification: Uncertain significance for Arrhythmogenic cardiomyopathy with wooly hair and keratoderma; Arrhythmogenic right ventricular dysplasia 8. Last evaluated: 2023-12-21. Review status: criteria provided, single submitter. Criteria: Invitae Variant Classification Sherloc (09022015). Collection method: clinical testing. Allele origin: germline.
Comment: This sequence change falls in intron 8 of the DSP gene. It does not directly change the encoded amino acid sequence of the DSP protein. It affects a nucleotide within the consensus splice site. This variant is present in population databases (rs765077011, gnomAD 0.003%). This variant has not been reported in the literature in individuals affected with DSP-related conditions. ClinVar contains an entry for this variant (Variation ID: 927776). Variants that disrupt the consensus splice site are a relatively common cause of aberrant splicing (PMID: 17576681, 9536098). Algorithms developed to predict the effect of sequence changes on RNA splicing suggest that this variant is not likely to affect RNA splicing. In summary, the available evidence is currently insufficient to determine the role of this variant in disease. Therefore, it has been classified as a Variant of Uncertain Significance.

All of Us Research Program, National Institutes of Health
Classification: Uncertain significance for Arrhythmogenic cardiomyopathy with wooly hair and keratoderma. Last evaluated: 2023-05-04. Review status: criteria provided, single submitter. Criteria: ACMG Guidelines, 2015. Collection method: clinical testing. Allele origin: germline. Inheritance: Autosomal dominant inheritance. Observed: 1 variant allele, 1 heterozygote.
Comment: This variant causes a C to T nucleotide substitution at the -3 position of intron 8 of the DSP gene. Splice site prediction tools and conservation analyses are inconclusive regarding the impact of this variant on RNA splicing. To our knowledge, functional studies have not been reported for this variant. This variant has not been reported in individuals affected with DSP-related disorders in the literature. This variant has been identified in 3/251110 chromosomes in the general population by the Genome Aggregation Database (gnomAD). The available evidence is insufficient to determine the role of this variant in disease conclusively. Therefore, this variant is classified as a Variant of Uncertain Significance.

This study involves interpretation of variants in research participants for the purpose of population health screening. Participant phenotype was not available at the time of variant classification. Additional details can be found in publication PMID: 35346344, PMCID: PMC8962531

GeneDx
Classification: Likely benign. Last evaluated: 2020-04-01. Review status: criteria provided, single submitter. Criteria: GeneDx Variant Classification Process June 2021. Collection method: clinical testing. Allele origin: germline. Affected: yes.

Literature cited by the submitters: PubMed 17576681 (cited by Labcorp Genetics (formerly Invitae), Labcorp); PubMed 9536098 (cited by Labcorp Genetics (formerly Invitae), Labcorp).